The following is an entry in ClinVar:

NM_006796.3(AFG3L2):c.2093A>G (p.Asp698Gly)

Gene: AFG3L2 (AFG3 like matrix AAA peptidase subunit 2; minus strand). Cytogenetic location: 18p11.21.
Variant type: single nucleotide variant.
Coding change: c.2093A>G on transcript NM_006796.3 (MANE Select); coding-DNA position 2093, A replaced by G.
Protein change: p.Asp698Gly; replaces aspartic acid 698 with glycine.
Molecular consequence: missense variant.
Genome position (GRCh38, 1-based): chr18:12,337,423, T>C on the plus strand (A>G on the coding strand, the complement: AFG3L2 is on the minus strand). VCF-style: chr18-12337423-T-C. GRCh37 (hg19) VCF-style: chr18-12337422-T-C.
Other names: p.Asp698Gly; short protein forms D698G.
Identifiers: ClinVar variation 4542248 (VCV004542248.1).

ClinVar aggregate classification (germline): Uncertain significance (1 of 4 stars; one submission).

Submission:

Mayo Clinic Laboratories, Mayo Clinic
Classification: Uncertain significance. Last evaluated: 2025-08-21. Review status: criteria provided, single submitter. Criteria: ACMG Guidelines, 2015. Collection method: clinical testing. Allele origin: germline. Observed: 1 variant allele.
Comment: PP3_strong, PM2_supporting